The following is an entry in ClinVar:

ClinVar aggregate classification (germline): Pathogenic. Review status: reviewed by expert panel (3 of 4 stars). 5 submissions from 5 submitters: Pathogenic (1). 4 of the submissions do not count toward it. Last evaluated 2016-10-18.

Conditions:
Breast and/or ovarian cancer. Identifiers: MedGen CN221562.
Breast-ovarian cancer, familial, susceptibility to, 1 (BROVCA1). Also called: OVARIAN CANCER, SUSCEPTIBILITY TO; BRCA1 Hereditary Breast and Ovarian Cancer. Identifiers: Orphanet 145, MedGen C2676676, MONDO:0011450, OMIM 604370. Disease mechanism: loss of function.

Submissions (5):

Evidence-based Network for the Interpretation of Germline Mutant Alleles (ENIGMA)
Classification: Pathogenic for Breast-ovarian cancer, familial, susceptibility to, 1. Last evaluated: 2016-10-18. Review status: reviewed by expert panel. Criteria: ENIGMA BRCA1/2 Classification Criteria (2015). Collection method: curation. Allele origin: germline.
Comment: Variant allele predicted to encode a truncated non-functional protein.

Consortium of Investigators of Modifiers of BRCA1/2 (CIMBA), c/o University of Cambridge
Classification: Pathogenic for Breast-ovarian cancer, familial, susceptibility to, 1. Last evaluated: 2015-10-02. Review status: criteria provided, single submitter. Criteria: CIMBA Mutation Classification guidelines May 2016. Collection method: clinical testing. Allele origin: germline. Not counted in ClinVar's aggregate classification.

GeneDx
Classification: Pathogenic. Last evaluated: 2015-06-26. Review status: criteria provided, single submitter. Criteria: GeneDx Variant Classification (06012015). Collection method: clinical testing. Allele origin: germline. Affected: yes. Not counted in ClinVar's aggregate classification.
Comment: This duplication of 10 nucleotides is denoted BRCA1 c.2488_2497dup10 at the cDNA level and p.Leu833Ter (L833X) at the protein level. The normal sequence, with the bases that are duplicated in brackets, is CTTT[AAGTATCCAT]TGGG. The duplication creates a nonsense variant, which changes a Leucine to a premature stop codon. This variant is predicted to cause loss of normal protein function through either protein truncation or nonsense-mediated mRNA decay. BRCA1 2488_2497dup10, also reported as 2607_2616dup10 using alternate nomenclature, has been observed in multiple Czech breast and/or ovarian cancer families from the (Foretova 2004, Machackova 2008, Konecky 2011). This variant is considered pathogenic.

CZECANCA consortium
Classification: Pathogenic for Breast and/or ovarian cancer. Last evaluated: 2019-06-11. Review status: no assertion criteria provided. Collection method: clinical testing. Allele origin: germline. Affected: yes. Observed: 4 variant alleles. Not counted in ClinVar's aggregate classification.

Breast Cancer Information Core (BIC) (BRCA1)
Classification: Pathogenic for Breast-ovarian cancer, familial 1. Last evaluated: 2005-09-27. Review status: no assertion criteria provided. Collection method: clinical testing. Allele origin: germline. Affected: yes. Observed: 4 variant alleles. Not counted in ClinVar's aggregate classification.

Literature cited by the submitters: PubMed 32295079 (cited by CZECANCA consortium); PubMed 11748848 (cited by Breast Cancer Information Core (BIC) (BRCA1)).

NM_007294.4(BRCA1):c.2488_2497dup (p.Leu833Ter)

Gene: BRCA1 (BRCA1 DNA repair associated; minus strand). Cytogenetic location: 17q21.31.
Variant type: Duplication.
Coding change: c.2488_2497dup on transcript NM_007294.4 (MANE Select); coding-DNA positions 2488 to 2497, 10 bases duplicated (AAGTATCCAT; older notation c.2488_2497dupAAGTATCCAT).
Protein change: p.Leu833Ter; replaces leucine 833 with a stop codon.
Molecular consequence: nonsense. On other transcripts: frameshift variant (1), intron variant (137).
Genome position (GRCh38, 1-based): chr17:43,093,034-43,093,043, ATGGATACTT duplicated on the plus strand (AAGTATCCAT on the coding strand, the reverse complement: BRCA1 is on the minus strand); duplicating any 10 consecutive bases within chr17:43,093,034-43,093,044 gives the same sequence; the c. name uses the placement nearest the transcript's 3' end. VCF-style (leftmost placement, unchanged base first): chr17-43093033-A-AATGGATACTT. GRCh37 (hg19) VCF-style: chr17-41245050-A-AATGGATACTT.
Other names: 2607dup10; 2607_2616dup10; c.2497_2498insAAGTATCCAT (NM_007294.4); c.2488_2497dupAAGTATCCAT (NM_007294.3); c.2275_2284dup, p.Leu762Ter (NM_001407571.1, NM_001407853.1, NM_001407894.1 and 9 more transcripts); c.2488_2497dup, p.Leu833Ter (NM_001407581.1, NM_001407582.1, NM_001407583.1 and 30 more transcripts); c.2485_2494dup, p.Leu832Ter (NM_001407587.1, NM_001407590.1, NM_001407591.1 and 22 more transcripts); c.2479_2488dup, p.Leu830Ter (NM_001407646.1, NM_001407647.1); and 45 more; short protein forms L786*, L833*, L537*, L706*, L721*, L745*, L766*, L792*.
Identifiers: ClinVar variation 54586 (VCV000054586.9), dbSNP rs397508973, ClinGen allele CA026481.